The following is an entry in ClinVar:

ClinVar aggregate classification (germline): Uncertain significance (1 of 4 stars; one submission).

Conditions:
Cornelia de Lange syndrome 1 (CDLS1). Also called: NIPBL-Related Cornelia de Lange Syndrome; TYPUS DEGENERATIVUS AMSTELODAMENSIS; Brachmann de Lange syndrome. Identifiers: Orphanet 199, MedGen C4551851, MONDO:0007387, OMIM 122470.

gnomAD v4.1: 2 of 1,613,986 alleles (0.00012%); highest among the groups gnomAD compares: Non-Finnish European, 0.00017%; no homozygotes.

Submission:

Clinical Genomics Laboratory, Washington University in St. Louis
Classification: Uncertain significance for Cornelia de Lange syndrome 1. Last evaluated: 2025-05-29. Review status: criteria provided, single submitter. Criteria: ACMG Guidelines, 2015. Collection method: clinical testing. Allele origin: germline.
Comment: The NIPBL c.170G>C (p.Arg57Thr) variant, to our knowledge, has not been reported in the medical literature. This variant is only observed on 1/121,262 alleles in the general population (gnomAD v.2.1.1), indicating it is not a common variant. Computational predictors indicate that the variant is damaging, evidence that correlates with impact to NIPBL function. Due to limited information, and based on ACMG/AMP guidelines for variant interpretation (Richards S et al., PMID: 25741868), the clinical significance of this variant is uncertain at this time.

NM_133433.4(NIPBL):c.170G>C (p.Arg57Thr)

Gene: NIPBL (NIPBL cohesin loading factor; plus strand). Cytogenetic location: 5p13.2.
Variant type: single nucleotide variant.
Coding change: c.170G>C on transcript NM_133433.4 (MANE Select); coding-DNA position 170, G replaced by C.
Protein change: p.Arg57Thr; replaces arginine 57 with threonine.
Molecular consequence: missense variant.
Genome position (GRCh38, 1-based): chr5:36,955,577, G>C. VCF-style: chr5-36955577-G-C. GRCh37 (hg19) VCF-style: chr5-36955679-G-C.
Other names: c.170G>C, p.Arg57Thr (NM_015384.5, NM_001438586.1); short protein forms R57T.
Identifiers: ClinVar variation 4279802 (VCV004279802.1).